The following is an entry in ClinVar:

NM_001080517.3(SETD5):c.2983C>T (p.Arg995Ter)

Gene: SETD5 (SET domain containing 5; plus strand). Cytogenetic location: 3p25.3.
Variant type: single nucleotide variant.
Coding change: c.2983C>T on transcript NM_001080517.3 (MANE Select); coding-DNA position 2983, C replaced by T.
Protein change: p.Arg995Ter; replaces arginine 995 with a stop codon.
Molecular consequence: nonsense.
Genome position (GRCh38, 1-based): chr3:9,470,717, C>T. VCF-style: chr3-9470717-C-T. GRCh37 (hg19) VCF-style: chr3-9512401-C-T.
Other names: c.2689C>T, p.Arg897Ter (NM_001292043.2, NM_001349451.2); short protein forms R897*, R995*.
Identifiers: ClinVar variation 1073863 (VCV001073863.10), dbSNP rs2125579037, ClinGen allele CA351681290.
Genomic context (GRCh38, chr3:9,470,717, plus strand): 5'-CAGGCATTTCGGACAGAGTTCAACTTGATGTATGCCTACTCCCCTTTGAATGCTATGCCT[C>T]GAGCAGATGGACTGTATCGAGGATCTCCTCTAGTGGGGGATAGGAAGCCTTTACATTTGG-3'

ClinVar aggregate classification (germline): Pathogenic. Review status: criteria provided, multiple submitters, no conflicts (2 of 4 stars). 3 submissions from 3 submitters: Pathogenic (3). Last evaluated 2026-07-24.

Conditions:
Intellectual disability-facial dysmorphism syndrome due to SETD5 haploinsufficiency (MRD23). Also called: Intellectual developmental disorder, autosomal dominant 23. Identifiers: Orphanet 404440, MedGen C3810406, MONDO:0014336, OMIM 615761.

Submissions (3):

GeneDx
Classification: Pathogenic. Last evaluated: 2026-07-24. Review status: criteria provided, single submitter. Criteria: GeneDx Variant Classification Process June 2021. Collection method: clinical testing. Allele origin: germline.
Comment: Nonsense variant predicted to result in protein truncation or nonsense mediated decay in a gene for which loss of function is a known mechanism of disease; Not observed at significant frequency in large population cohorts (gnomAD); This variant is associated with the following publications: (PMID: 39941308, 38438125)

Variantyx, Inc.
Classification: Pathogenic for Intellectual disability-facial dysmorphism syndrome due to SETD5 haploinsufficiency. Last evaluated: 2026-01-21. Review status: criteria provided, single submitter. Criteria: Variantyx Assertion Criteria 2022. Collection method: clinical testing. Allele origin: de novo. Inheritance: Autosomal dominant inheritance. Affected: yes.
Comment: This is a nonsense variant in the SETD5 gene (OMIM: 615743). Pathogenic variants in this gene have been associated with autosomal dominant intellectual developmental disorder 23. The alteration introduces a premature termination codon in exon 19 out of 23 and is expected to result in loss of function, which is a known disease mechanism for SETD5 in this disorder (PMID: 25138099, 24768552, 24680889, 23613140) (PVS1). It has been reported in at least one affected individual (PMID: 38438125) (PS4), while it is absent from control populations (PM2). Based on the current evidence, this variant is classified as pathogenic for autosomal dominant intellectual developmental disorder 23.

Labcorp Genetics (formerly Invitae), Labcorp
Classification: Pathogenic. Last evaluated: 2022-05-13. Review status: criteria provided, single submitter. Criteria: Invitae Variant Classification Sherloc (09022015). Collection method: clinical testing. Allele origin: germline.
Comment: For these reasons, this variant has been classified as Pathogenic. ClinVar contains an entry for this variant (Variation ID: 1073863). This variant has not been reported in the literature in individuals affected with SETD5-related conditions. This variant is not present in population databases (gnomAD no frequency). This sequence change creates a premature translational stop signal (p.Arg995*) in the SETD5 gene. It is expected to result in an absent or disrupted protein product. Loss-of-function variants in SETD5 are known to be pathogenic (PMID: 24680889).

Literature cited by the submitters: PubMed 38438125 (cited by Variantyx, Inc.); PubMed 25138099 (cited by Variantyx, Inc.); PubMed 24768552 (cited by Variantyx, Inc.); PubMed 24680889 (cited by Variantyx, Inc. and Labcorp Genetics (formerly Invitae), Labcorp); PubMed 23613140 (cited by Variantyx, Inc.).